The following is an entry in ClinVar:

ClinVar aggregate classification (germline): Likely benign (0 of 4 stars; one submission).

Conditions:
KMT2D-related disorder. Also called: KMT2D-Related Disorders.

Submission:

PreventionGenetics, part of Exact Sciences
Classification: Likely benign for KMT2D-related condition. Last evaluated: 2024-04-18. Review status: no assertion criteria provided. Collection method: clinical testing. Allele origin: germline.
Comment: This variant is classified as likely benign based on ACMG/AMP sequence variant interpretation guidelines (Richards et al. 2015 PMID: 25741868, with internal and published modifications).

NM_003482.4(KMT2D):c.8703T>G (p.Pro2901=)

Gene: KMT2D (lysine methyltransferase 2D; minus strand). Cytogenetic location: 12q13.12.
Variant type: single nucleotide variant.
Coding change: c.8703T>G on transcript NM_003482.4 (MANE Select); coding-DNA position 8703, T replaced by G.
Protein change: p.Pro2901=; no amino-acid change (proline 2901 retained).
Molecular consequence: synonymous variant.
Genome position (GRCh38, 1-based): chr12:49,038,653, A>C on the plus strand (T>G on the coding strand, the complement: KMT2D is on the minus strand). VCF-style: chr12-49038653-A-C. GRCh37 (hg19) VCF-style: chr12-49432436-A-C.
Identifiers: ClinVar variation 3345147 (VCV003345147.1).